The following is an entry in ClinVar:

ClinVar aggregate classification (germline): Uncertain significance (1 of 4 stars; one submission).

Submission:

GeneDx
Classification: Uncertain significance. Last evaluated: 2022-07-21. Review status: criteria provided, single submitter. Criteria: GeneDx Variant Classification Process June 2021. Collection method: clinical testing. Allele origin: germline. Affected: yes.
Comment: Not observed at significant frequency in large population cohorts (gnomAD); In silico analysis supports that this missense variant has a deleterious effect on protein structure/function; Has not been previously published as pathogenic or benign to our knowledge

NM_006015.6(ARID1A):c.1861A>T (p.Ser621Cys)

Gene: ARID1A (AT-rich interaction domain 1A; plus strand). Cytogenetic location: 1p36.11.
Variant type: single nucleotide variant.
Coding change: c.1861A>T on transcript NM_006015.6 (MANE Select); coding-DNA position 1861, A replaced by T.
Protein change: p.Ser621Cys; replaces serine 621 with cysteine.
Molecular consequence: missense variant.
Genome position (GRCh38, 1-based): chr1:26,732,733, A>T. VCF-style: chr1-26732733-A-T. GRCh37 (hg19) VCF-style: chr1-27059224-A-T.
Other names: c.1861A>T, p.Ser621Cys (NM_139135.4); short protein forms S621C.
Identifiers: ClinVar variation 2136155 (VCV002136155.1), dbSNP rs2124792524, ClinGen allele CA339269006.